The following is an entry in ClinVar:

ClinVar aggregate classification (germline): Uncertain significance. Review status: criteria provided, multiple submitters, no conflicts (2 of 4 stars). 2 submissions from 2 submitters: Uncertain significance (2). Last evaluated 2024-08-01.

Conditions:
Cowden syndrome (CS). Also called: Cowden's disease; Cowden's syndrome; Cowden disease. Identifiers: Orphanet 201, MedGen C0018553, MONDO:0016063. Disease mechanism: gain of function.
Inborn genetic diseases. Identifiers: MedGen C0950123, MeSH D030342.

Allele frequency attached by ClinVar (database versions not stated): gnomAD exomes below 0.00001; TOPMed below 0.00001; ExAC 0.00001; gnomAD 0.00001.
gnomAD v4.1: 8 of 1,567,002 alleles (0.00051%); highest among the groups gnomAD compares: Middle Eastern, 0.017%; no homozygotes.

Submissions (2):

Labcorp Genetics (formerly Invitae), Labcorp
Classification: Uncertain significance for Cowden syndrome. Last evaluated: 2024-08-01. Review status: criteria provided, single submitter. Criteria: Invitae Variant Classification Sherloc (09022015). Collection method: clinical testing. Allele origin: germline.
Comment: This sequence change replaces isoleucine, which is neutral and non-polar, with valine, which is neutral and non-polar, at codon 593 of the PIK3CA protein (p.Ile593Val). This variant is present in population databases (rs200694869, gnomAD 0.006%). This missense change has been observed in individual(s) with PIK3CA-related conditions (PMID: 37486637). ClinVar contains an entry for this variant (Variation ID: 1779895). Advanced modeling of protein sequence and biophysical properties (such as structural, functional, and spatial information, amino acid conservation, physicochemical variation, residue mobility, and thermodynamic stability) has been performed at Invitae for this missense variant, however the output from this modeling did not meet the statistical confidence thresholds required to predict the impact of this variant on PIK3CA protein function. In summary, the available evidence is currently insufficient to determine the role of this variant in disease. Therefore, it has been classified as a Variant of Uncertain Significance.

Ambry Genetics
Classification: Uncertain significance for Inborn genetic diseases. Last evaluated: 2022-10-01. Review status: criteria provided, single submitter. Criteria: Ambry Variant Classification Scheme 2023. Collection method: clinical testing. Allele origin: germline.
Comment: The p.I593V variant (also known as c.1777A>G), located in coding exon 11 of the PIK3CA gene, results from an A to G substitution at nucleotide position 1777. The isoleucine at codon 593 is replaced by valine, an amino acid with highly similar properties. This amino acid position is conserved. In addition, this alteration is predicted to be tolerated by in silico analysis. Since supporting evidence is limited at this time, the clinical significance of this alteration remains unclear.

Literature cited by the submitters: PubMed 37486637 (cited by Labcorp Genetics (formerly Invitae), Labcorp).

NM_006218.4(PIK3CA):c.1777A>G (p.Ile593Val)

Gene: PIK3CA (phosphatidylinositol-4,5-bisphosphate 3-kinase catalytic subunit alpha; plus strand). Cytogenetic location: 3q26.32.
Variant type: single nucleotide variant.
Coding change: c.1777A>G on transcript NM_006218.4 (MANE Select); coding-DNA position 1777, A replaced by G.
Protein change: p.Ile593Val; replaces isoleucine 593 with valine.
Molecular consequence: missense variant.
Genome position (GRCh38, 1-based): chr3:179,219,601, A>G. VCF-style: chr3-179219601-A-G. GRCh37 (hg19) VCF-style: chr3-178937389-A-G.
Other names: short protein forms I593V.
Identifiers: ClinVar variation 1779895 (VCV001779895.4), dbSNP rs200694869, ClinGen allele CA2710805.